The following is an entry in ClinVar:

ClinVar aggregate classification (germline): Uncertain significance. Review status: criteria provided, multiple submitters, no conflicts (2 of 4 stars). 2 submissions from 2 submitters: Uncertain significance (2). Last evaluated 2023-07-25.

Conditions:
PHKA2-related disorder. Also called: PHKA2-related condition.
Glycogen storage disease IXa1. Also called: GLYCOGEN STORAGE DISEASE VIII; GSD VIII; LIVER GLYCOGENOSIS, X-LINKED, TYPE I; Glycogen storage disease 8. Identifiers: Orphanet 264580, MedGen C3694531, MONDO:0010598, OMIM 306000.

Allele frequency attached by ClinVar (database versions not stated): ExAC 0.00001; gnomAD 0.00005 and 0.00006; ESP Exome Variant Server 0.00009.
gnomAD v4.1: 127 of 1,207,890 alleles (0.011%); highest among the groups gnomAD compares: Non-Finnish European, 0.014%; no homozygotes.

Submissions (2):

PreventionGenetics, part of Exact Sciences
Classification: Uncertain significance for PHKA2-related condition. Last evaluated: 2023-07-25. Review status: criteria provided, single submitter. Criteria: ACMG Guidelines, 2015. Collection method: clinical testing. Allele origin: germline.
Comment: The PHKA2 c.1657T>C variant is predicted to result in the amino acid substitution p.Cys553Arg. To our knowledge, this variant has not been reported in the literature. This variant is reported in 0.0024% of alleles in individuals of European (Non-Finnish) descent in gnomAD. At this time, the clinical significance of this variant is uncertain due to the absence of conclusive functional and genetic evidence.

Labcorp Genetics (formerly Invitae), Labcorp
Classification: Uncertain significance for Glycogen storage disease IXa1. Last evaluated: 2022-02-10. Review status: criteria provided, single submitter. Criteria: Invitae Variant Classification Sherloc (09022015). Collection method: clinical testing. Allele origin: germline.
Comment: In summary, the available evidence is currently insufficient to determine the role of this variant in disease. Therefore, it has been classified as a Variant of Uncertain Significance. Algorithms developed to predict the effect of missense changes on protein structure and function output the following: SIFT: "Tolerated"; PolyPhen-2: "Benign"; Align-GVGD: "Class C0". The arginine amino acid residue is found in multiple mammalian species, which suggests that this missense change does not adversely affect protein function. This variant has not been reported in the literature in individuals affected with PHKA2-related conditions. This variant is present in population databases (rs140703161, gnomAD 0.002%). This sequence change replaces cysteine, which is neutral and slightly polar, with arginine, which is basic and polar, at codon 553 of the PHKA2 protein (p.Cys553Arg).

NM_000292.3(PHKA2):c.1657T>C (p.Cys553Arg)

Gene: PHKA2 (phosphorylase kinase regulatory subunit alpha 2; minus strand). Cytogenetic location: Xp22.13.
Variant type: single nucleotide variant.
Coding change: c.1657T>C on transcript NM_000292.3 (MANE Select); coding-DNA position 1657, T replaced by C.
Protein change: p.Cys553Arg; replaces cysteine 553 with arginine.
Molecular consequence: missense variant.
Genome position (GRCh38, 1-based): chrX:18,924,438, A>G on the plus strand (T>C on the coding strand, the complement: PHKA2 is on the minus strand). VCF-style: chrX-18924438-A-G. GRCh37 (hg19) VCF-style: chrX-18942556-A-G.
Other names: c.1657T>C (NM_000292.2); short protein forms C553R.
Identifiers: ClinVar variation 1379923 (VCV001379923.8), dbSNP rs140703161, ClinGen allele CA10361828.